The following is an entry in ClinVar:

ClinVar aggregate classification (germline): Likely benign (1 of 4 stars; one submission).

Allele frequency attached by ClinVar (database versions not stated): 1000 Genomes Project 0.00339; gnomAD 0.00343; 1000 Genomes Project 30x 0.00344; TOPMed 0.00407.
gnomAD v4.1: 519 of 152,028 alleles (0.34%); highest among the groups gnomAD compares: African/African-American, 1.1%; 2 homozygotes.

Submission:

GeneDx
Classification: Likely benign. Last evaluated: 2019-03-03. Review status: criteria provided, single submitter. Criteria: GeneDx Variant Classification Process June 2021. Collection method: clinical testing. Allele origin: germline. Affected: yes.
Comment: See Variant Classification Assertion Criteria.

NM_012144.4(DNAI1):c.389-215C>T

Gene: DNAI1 (dynein axonemal intermediate chain 1; plus strand). Cytogenetic location: 9p13.3.
Variant type: single nucleotide variant.
Coding change: c.389-215C>T on transcript NM_012144.4 (MANE Select); 215 bases into the intron before coding-DNA position 389, C replaced by T.
Molecular consequence: intron variant.
Genome position (GRCh38, 1-based): chr9:34,489,797, C>T. VCF-style: chr9-34489797-C-T. GRCh37 (hg19) VCF-style: chr9-34489795-C-T.
Other names: c.389-203C>T (NM_001281428.2).
Identifiers: ClinVar variation 1706648 (VCV001706648.2), dbSNP rs138746751, ClinGen allele CA192629333.